The following is an entry in ClinVar:

ClinVar aggregate classification (germline): Uncertain significance (1 of 4 stars; one submission).

Conditions:
Rhabdoid tumor predisposition syndrome 2 (RTPS2). Identifiers: Orphanet 231108, Orphanet 69077, MedGen C2750074, MONDO:0013224, OMIM 613325.

Submission:

Labcorp Genetics (formerly Invitae), Labcorp
Classification: Uncertain significance for Rhabdoid tumor predisposition syndrome 2. Last evaluated: 2018-02-01. Review status: criteria provided, single submitter. Criteria: Invitae Variant Classification Sherloc (09022015). Collection method: clinical testing. Allele origin: germline.
Comment: This variant is not present in population databases (ExAC no frequency). In summary, the available evidence is currently insufficient to determine the role of this variant in disease. Therefore, it has been classified as a Variant of Uncertain Significance. Algorithms developed to predict the effect of missense changes on protein structure and function do not agree on the potential impact of this missense change (SIFT: "Deleterious"; PolyPhen-2: "Possibly Damaging"; Align-GVGD: "Class C0"). This variant has not been reported in the literature in individuals with SMARCA4-related disease. This sequence change replaces lysine with arginine at codon 461 of the SMARCA4 protein (p.Lys461Arg). The lysine residue is highly conserved and there is a small physicochemical difference between lysine and arginine.

NM_003072.5(SMARCA4):c.1382A>G (p.Lys461Arg)

Gene: SMARCA4 (SWI/SNF related BAF chromatin remodeling complex subunit ATPase 4; plus strand). Cytogenetic location: 19p13.2.
Variant type: single nucleotide variant.
Coding change: c.1382A>G on transcript NM_003072.5 (MANE Select); coding-DNA position 1382, A replaced by G.
Protein change: p.Lys461Arg; replaces lysine 461 with arginine.
Molecular consequence: missense variant. On other transcripts: non-coding transcript variant (1).
Genome position (GRCh38, 1-based): chr19:10,991,286, A>G. VCF-style: chr19-10991286-A-G. GRCh37 (hg19) VCF-style: chr19-11101962-A-G.
Other names: c.1382A>G, p.Lys461Arg (NM_001128844.3, NM_001128845.2, NM_001128846.2 and 5 more transcripts); short protein forms K461R.
Identifiers: ClinVar variation 577429 (VCV000577429.8), dbSNP rs1568434007, ClinGen allele CA404061009.